The following is an entry in ClinVar:

ClinVar aggregate classification (germline): Uncertain significance (1 of 4 stars; one submission).

Submission:

Ambry Genetics
Classification: Uncertain significance. Last evaluated: 2025-04-17. Review status: criteria provided, single submitter. Criteria: Ambry Variant Classification Scheme 2023. Collection method: clinical testing. Allele origin: germline.
Comment: The c.701dupA variant, located in coding exon 5 of the ATRIP gene, results from a duplication of A at nucleotide position 701, causing a translational frameshift with a predicted alternate stop codon (p.P235Afs*20). This alteration is expected to result in loss of function by premature protein truncation or nonsense-mediated mRNA decay. The evidence for this gene-disease relationship is limited; therefore, the clinical significance of this alteration is unclear.

NM_130384.3(ATRIP):c.701dup (p.Pro235fs)

Genes: ATRIP (ATR interacting protein; plus strand), ATRIP-TREX1 (ATRIP-TREX1 readthrough; plus strand). Cytogenetic location: 3p21.31.
Variant type: Duplication.
Coding change: c.701dup on transcript NM_130384.3 (MANE Select); coding-DNA position 701, one base duplicated (A; older notation c.701dupA).
Protein change: p.Pro235fs; shifts the reading frame from proline 235.
Molecular consequence: frameshift variant. On other transcripts: non-coding transcript variant (1).
Genome position (GRCh38, 1-based): chr3:48,457,288, A duplicated; the last of 3 consecutive A bases (chr3:48,457,286-48,457,288); duplicating any one gives the same sequence. VCF-style (leftmost placement, unchanged base first): chr3-48457285-T-TA. GRCh37 (hg19) VCF-style: chr3-48498685-T-TA.
Other names: c.320dup, p.Pro108fs (NM_001271022.2); c.422dup, p.Pro142fs (NM_001271023.2); c.701dup, p.Pro235fs (NM_032166.4); short protein forms P108fs, P142fs, P235fs.
Identifiers: ClinVar variation 3975902 (VCV003975902.1).